The following is an entry in ClinVar:

ClinVar aggregate classification (germline): Pathogenic (1 of 4 stars; one submission).

Conditions:
McCune-Albright syndrome (MAS). Also called: McCune-Albright syndrome, somatic, mosaic; ALBRIGHT SYNDROME; Albright's Syndrome; Albright's disease; Fibrous Dysplasia / McCune-Albright Syndrome. Identifiers: Orphanet 562, MedGen C0242292, MONDO:0018919, OMIM 174800.
Pseudohypoparathyroidism type 1C (PHP1C). Also called: PSEUDOHYPOPARATHYROIDISM, TYPE IC; PHP IC; Pseudohypoparathyroidism Ic (PHP-Ic). Identifiers: Orphanet 79444, MedGen C2932716, MONDO:0012911, OMIM 612462.
Pseudohypoparathyroidism type 1B (PHP1B). Also called: Pseudohypoparathyroidism Ib (PHP-Ib); PHP IB; Pseudohypoparathyroidism Type IB. Identifiers: Orphanet 94089, MedGen C1864100, MONDO:0011301, OMIM 603233.
Pseudopseudohypoparathyroidism (PPHP). Also called: ALBRIGHT HEREDITARY OSTEODYSTROPHY WITHOUT MULTIPLE HORMONE RESISTANCE; Pseudopseudohypoparathyroidism (PPHP). Identifiers: Orphanet 79445, MedGen C0033835, MONDO:0012912, OMIM 612463.
Progressive osseous heteroplasia (POH). Also called: Progressive Osseus Heteroplasia (POH); Osseus Heteroplasia, Progressive; ECTOPIC OSSIFICATION, FAMILIAL; Osteoma cutis. Identifiers: Orphanet 2762, MedGen C0334041, MONDO:0008153, OMIM 166350, HP:0025027.
Pituitary adenoma 3, multiple types. Also called: PITUITARY ADENOMA 3, ACTH-SECRETING, SOMATIC; PITUITARY ADENOMA 3, GROWTH HORMONE-SECRETING, SOMATIC. Identifiers: MedGen C4540135, MONDO:0054665, OMIM 617686.
ACTH-independent macronodular adrenal hyperplasia 1 (AIMAH1). Also called: ACTH-independent macronodular adrenal hyperplasia, somatic; CORTICOTROPIN-INDEPENDENT MACRONODULAR ADRENAL HYPERPLASIA; ACTH-INDEPENDENT MACRONODULAR ADRENOCORTICAL HYPERPLASIA; CUSHING SYNDROME, ADRENAL, DUE TO AIMAH; ADRENOCORTICOTROPIC HORMONE-INDEPENDENT MACRONODULAR ADRENAL HYPERPLASIA. Identifiers: MedGen C1857451, MONDO:0020735, OMIM 219080.
Pseudohypoparathyroidism type I A (PHP1A). Also called: Pseudohypoparathyroidism Ia (PHP-Ia); Pseudohypoparathyroidism Type IA; ALBRIGHT HEREDITARY OSTEODYSTROPHY WITH MULTIPLE HORMONE RESISTANCE; PHP IA; Pseudohypoparathyroidism type 1A. Identifiers: Orphanet 79443, MedGen C3494506, MONDO:0007078, OMIM 103580.

Submission:

Juno Genomics, Hangzhou Juno Genomics, Inc
Classification: Pathogenic for ACTH-independent macronodular adrenal hyperplasia 1; McCune-Albright syndrome; Progressive osseous heteroplasia; Pituitary adenoma 3, multiple types; Pseudohypoparathyroidism type I A; Pseudohypoparathyroidism type 1B; Pseudohypoparathyroidism type 1C; Pseudopseudohypoparathyroidism. Review status: criteria provided, single submitter. Criteria: ACMG Guidelines, 2015. Collection method: clinical testing. Allele origin: germline. Affected: yes.
Comment: Absent from controls (or at extremely low frequency if recessive) in Genome Aggregation Database, Exome Sequencing Project, 1000 Genomes Project, or Exome Aggregation Consortium.;Null variant in a gene where loss of function (LOF) is a known mechanism of disease.;The prevalence of the variant in affected individuals is significantly increased compared to the prevalence in controls.;Patient's phenotype or family history is highly specific for a disease with a single genetic etiology.;De novo (both maternity and paternity confirmed) in a patient with the disease and no family history.

NM_000516.7(GNAS):c.585+1G>C

Gene: GNAS (GNAS complex locus; plus strand). Cytogenetic location: 20q13.32.
Variant type: single nucleotide variant.
Coding change: c.585+1G>C on transcript NM_000516.7 (MANE Select); the canonical splice donor site of the intron after coding-DNA position 585, G replaced by C.
Molecular consequence: splice donor variant.
Genome position (GRCh38, 1-based): chr20:58,909,217, G>C. VCF-style: chr20-58909217-G-C. GRCh37 (hg19) VCF-style: chr20-57484272-G-C.
Other names: c.*491+1G>C (NM_016592.5); c.489+1G>C (NM_001410912.1); c.408+1G>C (NM_001309861.2, NM_001439291.1, NM_001309840.2 and 1 more transcripts); c.*446+1G>C (NM_001077490.3); c.2514+1G>C (NM_080425.4); c.2469+1G>C (NM_001410913.1); c.363+1G>C (NM_001438273.1, NM_001438274.1, NM_001438275.1); c.588+1G>C (NM_001077488.5); and 2 more.
Identifiers: ClinVar variation 4531299 (VCV004531299.1).